The following is an entry in ClinVar:

NM_001040151.2(SCN3B):c.572C>T (p.Ala191Val)

Gene: SCN3B (sodium voltage-gated channel beta subunit 3; minus strand). Cytogenetic location: 11q24.1.
Variant type: single nucleotide variant.
Coding change: c.572C>T on transcript NM_001040151.2 (MANE Select); coding-DNA position 572, C replaced by T.
Protein change: p.Ala191Val; replaces alanine 191 with valine.
Molecular consequence: missense variant.
Genome position (GRCh38, 1-based): chr11:123,638,198, G>A on the plus strand (C>T on the coding strand, the complement: SCN3B is on the minus strand). VCF-style: chr11-123638198-G-A. GRCh37 (hg19) VCF-style: chr11-123508906-G-A.
Other names: c.572C>T, p.Ala191Val (NM_018400.4); short protein forms A191V.
Identifiers: ClinVar variation 3438225 (VCV003438225.1).
Genomic context (GRCh38, chr11:123,638,198, plus strand): 5'-TTCTGAAGGTGCTAGCTTTCATTATTACTTTGGCATCTCTGGACTTACGCGTTTTCTTGG[G>A]CTGCCTCTTCGGCTTTTGAGACCTTTCTGTAGCAATATATCATCTCGATGAGCAGCCACA-3'
Protein context (NP_001035241.1, residues 181-201): YRKVSKAEEA[Ala191Val]QENASDYLAI

ClinVar aggregate classification (germline): Uncertain significance (1 of 4 stars; one submission).

Conditions:
Cardiovascular phenotype. Identifiers: MedGen CN230736.

Submission:

Ambry Genetics
Classification: Uncertain significance for Cardiovascular phenotype. Last evaluated: 2024-09-23. Review status: criteria provided, single submitter. Criteria: Ambry Variant Classification Scheme 2023. Collection method: clinical testing. Allele origin: germline.
Comment: The p.A191V variant (also known as c.572C>T), located in coding exon 4 of the SCN3B gene, results from a C to T substitution at nucleotide position 572. The alanine at codon 191 is replaced by valine, an amino acid with similar properties. This amino acid position is conserved. In addition, the in silico prediction for this alteration is inconclusive. Based on the available evidence, the clinical significance of this variant remains unclear.